The following is an entry in ClinVar:

ClinVar aggregate classification (germline): Conflicting classifications of pathogenicity. Review status: criteria provided, conflicting classifications (1 of 4 stars). 2 submissions from 2 submitters: Uncertain significance (1); Likely benign (1). Last evaluated 2023-02-23.

Conditions:
Dystonia 28, childhood-onset (DYT28). Also called: KMT2B-Related Dystonia (DYT-KMT2B). Identifiers: Orphanet 589618, MedGen C4310633, MONDO:0015004, OMIM 617284.

Allele frequency attached by ClinVar (database versions not stated): TOPMed below 0.00001; gnomAD exomes 0.00001.

Submissions (2):

Labcorp Genetics (formerly Invitae), Labcorp
Classification: Likely benign. Last evaluated: 2023-02-23. Review status: criteria provided, single submitter. Criteria: Invitae Variant Classification Sherloc (09022015). Collection method: clinical testing. Allele origin: germline.

Centre for Mendelian Genomics, University Medical Centre Ljubljana
Classification: Uncertain significance for Dystonia 28, childhood-onset. Last evaluated: 2016-01-01. Review status: criteria provided, single submitter. Criteria: ACMG Guidelines, 2015. Collection method: clinical testing. Allele origin: unknown. Affected: yes.
Comment: This variant was classified as: Uncertain significance. The following ACMG criteria were applied in classifying this variant: PM2,PP4.

NM_014727.3(KMT2B):c.3429+9G>A

Gene: KMT2B (lysine methyltransferase 2B; plus strand). Cytogenetic location: 19q13.12.
Variant type: single nucleotide variant.
Coding change: c.3429+9G>A on transcript NM_014727.3 (MANE Select); 9 bases into the intron after coding-DNA position 3429, G replaced by A.
Molecular consequence: intron variant.
Genome position (GRCh38, 1-based): chr19:35,724,740, G>A. VCF-style: chr19-35724740-G-A. GRCh37 (hg19) VCF-style: chr19-36215641-G-A.
Identifiers: ClinVar variation 932009 (VCV000932009.6), dbSNP rs868331986, ClinGen allele CA307787197.
Genomic context (GRCh38, chr19:35,724,740, plus strand): 5'-ACCTACCCTGCAGCCTGTGTTGCAGCTCAAGGCCCGAAGGCGCCTGGACAAGGTCAGCAC[G>A]GCCCGCTCCGAGAGCCCCTTCCCTCCAGGAGCTACCTGGCAAGTCAGAGTGACAGACACA-3'